The following is an entry in ClinVar:

ClinVar aggregate classification (germline): Uncertain significance. Review status: criteria provided, multiple submitters, no conflicts (2 of 4 stars). 2 submissions from 2 submitters: Uncertain significance (2). Last evaluated 2023-12-21.

Conditions:
Familial hypobetalipoproteinemia 1. Also called: Hypobetalipoproteinemia, normotriglyceridemic; Acanthocytosis with hypobetalipoproteinemia; APOB-Related Familial Hypobetalipoproteinemia. Identifiers: MedGen C4551990, MONDO:0014252, OMIM 615558.
Hypercholesterolemia, autosomal dominant, type B (FHCL2). Also called: Familial Hypercholesterolemia Type B; HYPERCHOLESTEROLEMIA, FAMILIAL, DUE TO LIGAND-DEFECTIVE APOLIPOPROTEIN B; Familial hypercholesterolemia 2; APOB-Related Familial Hypercholesterolemia, Autosomal Dominant; APOLIPOPROTEIN B-100, FAMILIAL DEFECTIVE; APOLIPOPROTEIN B-100, FAMILIAL LIGAND-DEFECTIVE. Identifiers: MedGen C1704417, MONDO:0007751, OMIM 144010.

Submissions (2):

Quest Diagnostics Nichols Institute San Juan Capistrano
Classification: Uncertain significance. Last evaluated: 2023-12-21. Review status: criteria provided, single submitter. Criteria: Quest Diagnostics criteria. Collection method: clinical testing. Allele origin: unknown.
Comment: The APOB c.1830-9_1830-7del variant has not been reported in individuals with APOB-related conditions in the published literature. The frequency of this variant in the general population, 0.00016 (3/18392 chromosomes (Genome Aggregation Database)), is uninformative in the assessment of its pathogenicity. Analysis of this variant using software algorithms for the prediction of the effect of nucleotide changes on splicing yielded predictions that this variant may affect proper APOB mRNA splicing. Based on the available information, we are unable to determine the clinical significance of this variant.

Labcorp Genetics (formerly Invitae), Labcorp
Classification: Uncertain significance for Familial hypobetalipoproteinemia 1; Hypercholesterolemia, autosomal dominant, type B. Last evaluated: 2022-02-06. Review status: criteria provided, single submitter. Criteria: Invitae Variant Classification Sherloc (09022015). Collection method: clinical testing. Allele origin: germline.
Comment: This sequence change falls in intron 13 of the APOB gene. It does not directly change the encoded amino acid sequence of the APOB protein. This variant is present in population databases (rs764623841, gnomAD 0.02%). This variant has not been reported in the literature in individuals affected with APOB-related conditions. ClinVar contains an entry for this variant (Variation ID: 923526). Algorithms developed to predict the effect of sequence changes on RNA splicing suggest that this variant may disrupt the consensus splice site. In summary, the available evidence is currently insufficient to determine the role of this variant in disease. Therefore, it has been classified as a Variant of Uncertain Significance.

NM_000384.3(APOB):c.1830-15CTT[2]

Gene: APOB (apolipoprotein B; minus strand). Cytogenetic location: 2p24.1.
Variant type: Microsatellite.
Coding change: c.1830-15CTT[2] on transcript NM_000384.3 (MANE Select); two copies in a row of the 3-base unit CTT starting at c.1830-15; the reference has three copies in a row; one copy, 3 bases deleted.
Molecular consequence: intron variant.
Genome position (GRCh38, 1-based): chr2:21,028,072-21,028,074, AAG deleted on the plus strand (CTT on the coding strand, the reverse complement: APOB is on the minus strand); deleting any 3 consecutive bases within chr2:21,028,072-21,028,080 gives the same sequence; the position shown is the placement nearest the transcript's 3' end. VCF-style (leftmost placement, unchanged base first): chr2-21028071-TAAG-T. GRCh37 (hg19) VCF-style: chr2-21250943-TAAG-T.
Identifiers: ClinVar variation 923526 (VCV000923526.7), dbSNP rs764623841, ClinGen allele CA054723.